The following is an entry in ClinVar:

NM_020207.7(ERCC6L2):c.343A>G (p.Ile115Val)

Gene: ERCC6L2 (ERCC excision repair 6 like 2; plus strand). Cytogenetic location: 9q22.32.
Variant type: single nucleotide variant.
Coding change: c.343A>G on transcript NM_020207.7 (MANE Select); coding-DNA position 343, A replaced by G.
Protein change: p.Ile115Val; replaces isoleucine 115 with valine.
Molecular consequence: missense variant. On other transcripts: non-coding transcript variant (1).
Genome position (GRCh38, 1-based): chr9:95,881,165, A>G. VCF-style: chr9-95881165-A-G. GRCh37 (hg19) VCF-style: chr9-98643447-A-G.
Other names: c.343A>G, p.Ile115Val (NM_001010895.4, NM_001375291.1, NM_001375292.1 and 2 more transcripts); short protein forms I115V.
Identifiers: ClinVar variation 3845929 (VCV003845929.1).

ClinVar aggregate classification (germline): Uncertain significance (1 of 4 stars; one submission).

Conditions:
Inborn genetic diseases. Identifiers: MedGen C0950123, MeSH D030342.

gnomAD v4.1: 11 of 1,613,772 alleles (0.00068%); highest among the groups gnomAD compares: South Asian, 0.0099%; no homozygotes.

Submission:

Ambry Genetics
Classification: Uncertain significance for Inborn genetic diseases. Last evaluated: 2025-02-13. Review status: criteria provided, single submitter. Criteria: Ambry Variant Classification Scheme 2023. Collection method: clinical testing. Allele origin: germline.
Comment: The p.I115V variant (also known as c.343A>G), located in coding exon 2 of the ERCC6L2 gene, results from an A to G substitution at nucleotide position 343. The isoleucine at codon 115 is replaced by valine, an amino acid with highly similar properties. This amino acid position is conserved. In addition, this alteration is predicted to be tolerated by in silico analysis. Based on the available evidence, the clinical significance of this variant remains unclear.